The following is an entry in ClinVar:

ClinVar aggregate classification (germline): Uncertain significance (1 of 4 stars; one submission).

Allele frequency attached by ClinVar (database versions not stated): gnomAD 0.00001; gnomAD exomes below 0.00001; ExAC 0.00001.
gnomAD v4.1: 5 of 1,613,688 alleles (0.00031%); highest among the groups gnomAD compares: Admixed American, 0.0017%; no homozygotes.

Submission:

Labcorp Genetics (formerly Invitae), Labcorp
Classification: Uncertain significance. Last evaluated: 2025-07-14. Review status: criteria provided, single submitter. Criteria: Invitae Variant Classification Sherloc (09022015). Collection method: clinical testing. Allele origin: germline.
Comment: This sequence change replaces arginine, which is basic and polar, with histidine, which is basic and polar, at codon 1198 of the SKIV2L protein (p.Arg1198His). The frequency data for this variant in the population databases is considered unreliable, as metrics indicate poor data quality at this position in the gnomAD database. This variant has not been reported in the literature in individuals affected with SKIV2L-related conditions. ClinVar contains an entry for this variant (Variation ID: 1966839). An algorithm developed to predict the effect of missense changes on protein structure and function (PolyPhen-2) suggests that this variant is likely to be disruptive. In summary, the available evidence is currently insufficient to determine the role of this variant in disease. Therefore, it has been classified as a Variant of Uncertain Significance.

NM_006929.5(SKIC2):c.3593G>A (p.Arg1198His)

Gene: SKIC2 (SKI2 subunit of superkiller complex; plus strand). Cytogenetic location: 6p21.33.
Variant type: single nucleotide variant.
Coding change: c.3593G>A on transcript NM_006929.5 (MANE Select); coding-DNA position 3593, G replaced by A.
Protein change: p.Arg1198His; replaces arginine 1198 with histidine.
Molecular consequence: missense variant.
Genome position (GRCh38, 1-based): chr6:31,969,567, G>A. VCF-style: chr6-31969567-G-A. GRCh37 (hg19) VCF-style: chr6-31937344-G-A.
Other names: short protein forms R1198H.
Identifiers: ClinVar variation 1966839 (VCV001966839.4), dbSNP rs760762616, ClinGen allele CA3730096.